The following is an entry in ClinVar:

NM_001184.4(ATR):c.6781C>T (p.Pro2261Ser)

Gene: ATR (ATR checkpoint kinase; minus strand). Cytogenetic location: 3q23.
Variant type: single nucleotide variant.
Coding change: c.6781C>T on transcript NM_001184.4 (MANE Select); coding-DNA position 6781, C replaced by T.
Protein change: p.Pro2261Ser; replaces proline 2261 with serine.
Molecular consequence: missense variant.
Genome position (GRCh38, 1-based): chr3:142,466,440, G>A on the plus strand (C>T on the coding strand, the complement: ATR is on the minus strand). VCF-style: chr3-142466440-G-A. GRCh37 (hg19) VCF-style: chr3-142185282-G-A.
Other names: c.6589C>T, p.Pro2197Ser (NM_001354579.2); short protein forms P2261S, P2197S.
Identifiers: ClinVar variation 1755400 (VCV001755400.2), dbSNP rs2473060398, ClinGen allele CA354801768.

ClinVar aggregate classification (germline): Uncertain significance (1 of 4 stars; one submission).

Conditions:
Inborn genetic diseases. Identifiers: MedGen C0950123, MeSH D030342.

Submission:

Ambry Genetics
Classification: Uncertain significance for Inborn genetic diseases. Last evaluated: 2022-02-26. Review status: criteria provided, single submitter. Criteria: Ambry Variant Classification Scheme 2023. Collection method: clinical testing. Allele origin: germline.
Comment: The p.P2261S variant (also known as c.6781C>T), located in coding exon 40 of the ATR gene, results from a C to T substitution at nucleotide position 6781. The proline at codon 2261 is replaced by serine, an amino acid with similar properties. This amino acid position is conserved. In addition, the in silico prediction for this alteration is inconclusive. Since supporting evidence is limited at this time, the clinical significance of this alteration remains unclear.